The following is an entry in ClinVar:

ClinVar aggregate classification (germline): Likely benign. Review status: criteria provided, multiple submitters, no conflicts (2 of 4 stars). 3 submissions from 3 submitters: Likely benign (3). Last evaluated 2024-11-15.

Conditions:
Bardet-Biedl syndrome (BBS). Identifiers: Orphanet 110, MedGen C0752166, MONDO:0015229.
BBS9-related disorder. Also called: BBS9-related condition.

Allele frequency attached by ClinVar (database versions not stated): gnomAD 0.00001; TOPMed 0.00001; ExAC 0.00002; gnomAD exomes 0.00002 and 0.00003.
gnomAD v4.1: 42 of 1,614,014 alleles (0.0026%); highest among the groups gnomAD compares: Non-Finnish European, 0.0034%; no homozygotes.

Submissions (3):

PreventionGenetics, part of Exact Sciences
Classification: Likely benign for BBS9-related condition. Last evaluated: 2024-11-15. Review status: criteria provided, single submitter. Criteria: ACMG Guidelines, 2015. Collection method: clinical testing. Allele origin: germline.
Comment: This variant is classified as likely benign based on ACMG/AMP sequence variant interpretation guidelines (Richards et al. 2015 PMID: 25741868, with internal and published modifications).

Labcorp Genetics (formerly Invitae), Labcorp
Classification: Likely benign for Bardet-Biedl syndrome. Last evaluated: 2024-01-07. Review status: criteria provided, single submitter. Criteria: Invitae Variant Classification Sherloc (09022015). Collection method: clinical testing. Allele origin: germline.

Blueprint Genetics
Classification: Likely benign. Last evaluated: 2023-03-28. Review status: criteria provided, single submitter. Criteria: ACMG Guidelines, 2015. Collection method: clinical testing. Allele origin: germline.

NM_198428.3(BBS9):c.1287T>C (p.Asp429=)

Gene: BBS9 (Bardet-Biedl syndrome 9; plus strand). Cytogenetic location: 7p14.3.
Variant type: single nucleotide variant.
Coding change: c.1287T>C on transcript NM_198428.3 (MANE Select); coding-DNA position 1287, T replaced by C.
Protein change: p.Asp429=; no amino-acid change (aspartic acid 429 retained).
Molecular consequence: synonymous variant. On other transcripts: non-coding transcript variant (3).
Genome position (GRCh38, 1-based): chr7:33,344,592, T>C. VCF-style: chr7-33344592-T-C. GRCh37 (hg19) VCF-style: chr7-33384204-T-C.
Other names: c.1287T>C (NM_198428.2); c.1287T>C, p.Asp429= (NM_001033604.2, NM_001033605.2, NM_001348036.1 and 5 more transcripts); c.921T>C, p.Asp307= (NM_001348037.3, NM_001348044.3, NM_001348045.3 and 1 more transcripts); c.1014T>C, p.Asp338= (NM_001348038.3, NM_001348039.3); c.1152T>C, p.Asp384= (NM_001348042.3).
Identifiers: ClinVar variation 1606434 (VCV001606434.10), dbSNP rs765234386, ClinGen allele CA4214250.